The following is an entry in ClinVar:

NM_001145715.3(KPNA7):c.556del (p.Asp186fs)

Gene: KPNA7 (karyopherin subunit alpha 7; minus strand). Cytogenetic location: 7q22.1.
Variant type: Deletion.
Coding change: c.556del on transcript NM_001145715.3 (MANE Select); coding-DNA position 556, one base deleted (G; older notation c.556delG).
Protein change: p.Asp186fs; shifts the reading frame from aspartic acid 186.
Molecular consequence: frameshift variant.
Genome position (GRCh38, 1-based): chr7:99,193,099, C deleted on the plus strand (G on the coding strand, the reverse complement: KPNA7 is on the minus strand). VCF-style (leftmost placement, unchanged base first): chr7-99193098-TC-T. GRCh37 (hg19) VCF-style: chr7-98790721-TC-T.
Other names: short protein forms D186fs.
Identifiers: ClinVar variation 1515932 (VCV001515932.1), dbSNP rs1388108761, ClinGen allele CA576680820.

ClinVar aggregate classification (germline): Uncertain significance (1 of 4 stars; one submission).

Allele frequency attached by ClinVar (database versions not stated): TOPMed below 0.00001; gnomAD exomes 0.00001.

Submission:

Labcorp Genetics (formerly Invitae), Labcorp
Classification: Uncertain significance. Last evaluated: 2021-07-15. Review status: criteria provided, single submitter. Criteria: Invitae Variant Classification Sherloc (09022015). Collection method: clinical testing. Allele origin: germline.
Comment: This sequence change creates a premature translational stop signal (p.Asp186Metfs*19) in the KPNA7 gene. It is expected to result in an absent or disrupted protein product. However, the current clinical and genetic evidence is not sufficient to establish whether loss-of-function variants in KPNA7 cause disease. This variant is not present in population databases (ExAC no frequency). This variant has not been reported in the literature in individuals affected with KPNA7-related conditions. Experimental studies and prediction algorithms are not available or were not evaluated, and the functional significance of this variant is currently unknown. In summary, the available evidence is currently insufficient to determine the role of this variant in disease. Therefore, it has been classified as a Variant of Uncertain Significance.